The following is an entry in ClinVar:

NM_000489.6(ATRX):c.1162A>G (p.Lys388Glu)

Gene: ATRX (ATRX chromatin remodeler; minus strand). Cytogenetic location: Xq21.1.
Variant type: single nucleotide variant.
Coding change: c.1162A>G on transcript NM_000489.6 (MANE Select); coding-DNA position 1162, A replaced by G.
Protein change: p.Lys388Glu; replaces lysine 388 with glutamic acid.
Molecular consequence: missense variant.
Genome position (GRCh38, 1-based): chrX:77,684,094, T>C on the plus strand (A>G on the coding strand, the complement: ATRX is on the minus strand). VCF-style: chrX-77684094-T-C. GRCh37 (hg19) VCF-style: chrX-76939586-T-C.
Other names: c.1048A>G, p.Lys350Glu (NM_138270.5); short protein forms K388E, K350E.
Identifiers: ClinVar variation 1737101 (VCV001737101.2), dbSNP rs2520006495, ClinGen allele CA413719257.

ClinVar aggregate classification (germline): Uncertain significance (1 of 4 stars; one submission).

Conditions:
Inborn genetic diseases. Identifiers: MedGen C0950123, MeSH D030342.

Submission:

Ambry Genetics
Classification: Uncertain significance for Inborn genetic diseases. Last evaluated: 2020-01-08. Review status: criteria provided, single submitter. Criteria: Ambry Variant Classification Scheme 2023. Collection method: clinical testing. Allele origin: germline.
Comment: The p.K388E variant (also known as c.1162A>G), located in coding exon 9 of the ATRX gene, results from an A to G substitution at nucleotide position 1162. The lysine at codon 388 is replaced by glutamic acid, an amino acid with similar properties. This amino acid position is well conserved in available vertebrate species. In addition, the in silico prediction for this alteration is inconclusive. Since supporting evidence is limited at this time, the clinical significance of this alteration remains unclear.